The following is an entry in ClinVar:

NM_007194.4(CHEK2):c.402_407del (p.Lys135_Tyr136del)

Gene: CHEK2 (checkpoint kinase 2; minus strand). Cytogenetic location: 22q12.1.
Variant type: Deletion.
Coding change: c.402_407del on transcript NM_007194.4 (MANE Select); coding-DNA positions 402 to 407, 6 bases deleted (TAAATA; older notation c.402_407delTAAATA).
Protein change: p.Lys135_Tyr136del.
Molecular consequence: inframe deletion. On other transcripts: inframe indel (3).
Genome position (GRCh38, 1-based): chr22:28,725,280-28,725,285, TATTTA deleted on the plus strand (TAAATA on the coding strand, the reverse complement: CHEK2 is on the minus strand); deleting any 6 consecutive bases within chr22:28,725,280-28,725,286 gives the same sequence; the c. name uses the placement nearest the transcript's 3' end. VCF-style (leftmost placement, unchanged base first): chr22-28725279-GTATTTA-G. GRCh37 (hg19) VCF-style: chr22-29121267-GTATTTA-G.
Other names: c.530_535delATAAAT, p.Lys178_Tyr179del (NM_001005735.3); c.-377_-372delATAAAT (NM_001257387.3); c.401_406delATAAAT, p.Lys135_Tyr136del (NM_001349956.3, NM_145862.3).
Identifiers: ClinVar variation 863663 (VCV000863663.10), dbSNP rs2053959611, ClinGen allele CA916083806.

ClinVar aggregate classification (germline): Uncertain significance (1 of 4 stars; one submission).

Conditions:
Familial cancer of breast. Also called: Hereditary breast cancer; BREAST CANCER, FAMILIAL; hereditary breast carcinoma. Identifiers: Orphanet 227535, MedGen C0346153, MONDO:0016419, OMIM 114480. Disease mechanism: loss of function.

Submission:

Labcorp Genetics (formerly Invitae), Labcorp
Classification: Uncertain significance for Familial cancer of breast. Last evaluated: 2019-03-13. Review status: criteria provided, single submitter. Criteria: Invitae Variant Classification Sherloc (09022015). Collection method: clinical testing. Allele origin: germline.
Comment: In summary, the available evidence is currently insufficient to determine the role of this variant in disease. Therefore, it has been classified as a Variant of Uncertain Significance. Experimental studies and prediction algorithms are not available for this variant, and the functional significance of the affected amino acid(s) is currently unknown. This variant has not been reported in the literature in individuals with CHEK2-related conditions. This variant is not present in population databases (ExAC no frequency). This variant, c.402_407del, results in the deletion of 2 amino acid(s) of the CHEK2 protein (p.Lys135_Tyr136del), but otherwise preserves the integrity of the reading frame.